The following is an entry in ClinVar:

NM_006755.2(TALDO1):c.166C>T (p.Pro56Ser)

Gene: TALDO1 (transaldolase 1; plus strand). Cytogenetic location: 11p15.5.
Variant type: single nucleotide variant.
Coding change: c.166C>T on transcript NM_006755.2 (MANE Select); coding-DNA position 166, C replaced by T.
Protein change: p.Pro56Ser; replaces proline 56 with serine.
Molecular consequence: missense variant.
Genome position (GRCh38, 1-based): chr11:755,947, C>T. VCF-style: chr11-755947-C-T. GRCh37 (hg19) VCF-style: chr11-755947-C-T.
Other names: c.166C>T (NM_006755.1); short protein forms P56S.
Identifiers: ClinVar variation 2778894 (VCV002778894.4), dbSNP rs2494706981, ClinGen allele CA378928167.

ClinVar aggregate classification (germline): Uncertain significance. Review status: criteria provided, multiple submitters, no conflicts (2 of 4 stars). 2 submissions from 2 submitters: Uncertain significance (2). Last evaluated 2026-02-10.

Conditions:
TALDO1-related disorder. Also called: TALDO1-related condition.

Allele frequency attached by ClinVar (database versions not stated): gnomAD exomes below 0.00001.
gnomAD v4.1: 7 of 1,614,106 alleles (0.00043%); highest among the groups gnomAD compares: Middle Eastern, 0.05%; no homozygotes.

Submissions (2):

PreventionGenetics, part of Exact Sciences
Classification: Uncertain significance for TALDO1-related condition. Last evaluated: 2026-02-10. Review status: criteria provided, single submitter. Criteria: ACMG Guidelines, 2015. Collection method: clinical testing. Allele origin: germline.
Comment: The TALDO1 c.166C>T variant is predicted to result in the amino acid substitution p.Pro56Ser. To our knowledge, this variant has not been reported in the literature or in a large population database (gnomAD), indicating this variant is rare. At this time, the clinical significance of this variant is uncertain due to the absence of conclusive functional and genetic evidence.

Labcorp Genetics (formerly Invitae), Labcorp
Classification: Uncertain significance. Last evaluated: 2023-09-18. Review status: criteria provided, single submitter. Criteria: Invitae Variant Classification Sherloc (09022015). Collection method: clinical testing. Allele origin: germline.
Comment: In summary, the available evidence is currently insufficient to determine the role of this variant in disease. Therefore, it has been classified as a Variant of Uncertain Significance. Advanced modeling of protein sequence and biophysical properties (such as structural, functional, and spatial information, amino acid conservation, physicochemical variation, residue mobility, and thermodynamic stability) performed at Invitae indicates that this missense variant is not expected to disrupt TALDO1 protein function. This variant has not been reported in the literature in individuals affected with TALDO1-related conditions. This variant is not present in population databases (gnomAD no frequency). This sequence change replaces proline, which is neutral and non-polar, with serine, which is neutral and polar, at codon 56 of the TALDO1 protein (p.Pro56Ser).